The following is an entry in ClinVar:

NM_001370259.2(MEN1):c.76G>A (p.Glu26Lys)

Gene: MEN1 (menin 1; minus strand). Cytogenetic location: 11q13.1.
Variant type: single nucleotide variant.
Coding change: c.76G>A on transcript NM_001370259.2 (MANE Select); coding-DNA position 76, G replaced by A.
Protein change: p.Glu26Lys; replaces glutamic acid 26 with lysine.
Molecular consequence: missense variant.
Genome position (GRCh38, 1-based): chr11:64,810,034, C>T on the plus strand (G>A on the coding strand, the complement: MEN1 is on the minus strand). VCF-style: chr11-64810034-C-T. GRCh37 (hg19) VCF-style: chr11-64577506-C-T.
Other names: c.76G>A, p.Glu26Lys (NM_000244.4, NM_001370251.2, NM_001370260.2 and 9 more transcripts); short protein forms E26K.
Identifiers: ClinVar variation 16689 (VCV000016689.10), dbSNP rs28931612, ClinGen allele CA009584.

ClinVar aggregate classification (germline): Pathogenic/Likely pathogenic. Review status: criteria provided, multiple submitters, no conflicts (2 of 4 stars). 3 submissions from 3 submitters: Pathogenic (1); Likely pathogenic (1). 1 of the submissions does not count toward it. Last evaluated 2025-11-09.

Conditions:
Multiple endocrine neoplasia, type 1 (MEN1). Also called: MEA I; Endocrine adenomatosis multiple; MEN 1; MEN I; WERMER SYNDROME. Identifiers: Orphanet 652, MedGen C0025267, MeSH D018761, MONDO:0007540, OMIM 131100.
Parathyroid adenoma, somatic. Identifiers: MedGen C2675664.

Submissions (3):

Labcorp Genetics (formerly Invitae), Labcorp
Classification: Pathogenic for Multiple endocrine neoplasia, type 1. Last evaluated: 2025-11-09. Review status: criteria provided, single submitter. Criteria: Invitae Variant Classification Sherloc (09022015). Collection method: clinical testing. Allele origin: germline.
Comment: This sequence change replaces glutamic acid, which is acidic and polar, with lysine, which is basic and polar, at codon 26 of the MEN1 protein (p.Glu26Lys). This variant is not present in population databases (gnomAD no frequency). This missense change has been observed in individuals with multiple endocrine neoplasia type 1 (PMID: 9820618, 12016472, 20231234; internal data). Invitae Evidence Modeling of clinical and family history, age, sex, and reported ancestry of multiple individuals with this MEN1 variant has been performed. This variant is expected to be pathogenic with a positive predictive value of at least 99%. This is a validated machine learning model that incorporates the clinical features of 1,366,787 individuals referred to our laboratory for MEN1 testing. This variant is also known as G186A (E26K). ClinVar contains an entry for this variant (Variation ID: 16689). Invitae Evidence Modeling of protein sequence and biophysical properties (such as structural, functional, and spatial information, amino acid conservation, physicochemical variation, residue mobility, and thermodynamic stability) indicates that this missense variant is expected to disrupt MEN1 protein function with a positive predictive value of 95%. For these reasons, this variant has been classified as Pathogenic.

GeneDx
Classification: Likely pathogenic. Last evaluated: 2019-11-13. Review status: criteria provided, single submitter. Criteria: GeneDx Variant Classification Process June 2021. Collection method: clinical testing. Allele origin: germline. Affected: yes.
Comment: Not observed in large population cohorts (Lek 2016); In silico analysis, which includes protein predictors and evolutionary conservation, supports a deleterious effect; Identified in patients with personal and/or family histories consistent with pathogenic variants in this gene referred for genetic testing at GeneDx and in published literature (Bartsch 1998, Langer 2002, Ellard 2005, Schaff 2007, Waldmann 2007, Schaefer 2008, White 2010); This variant is associated with the following publications: (PMID: 9241276, 9820618, 11114630, 15670192, 17853334, 17235589, 20231234, 30869828, 18426829, 12016472, 10730900)

OMIM
Classification: Pathogenic for PARATHYROID ADENOMA, SOMATIC. Last evaluated: 1997-08-01. Review status: no assertion criteria provided. Collection method: literature only. Allele origin: somatic. Not counted in ClinVar's aggregate classification.

Literature cited by the submitters: PubMed 9820618 (cited by Labcorp Genetics (formerly Invitae), Labcorp); PubMed 12016472 (cited by Labcorp Genetics (formerly Invitae), Labcorp); PubMed 20231234 (cited by Labcorp Genetics (formerly Invitae), Labcorp); PubMed 9241276 (cited by OMIM).